The following is an entry in ClinVar:

ClinVar aggregate classification (germline): Conflicting classifications of pathogenicity. Review status: criteria provided, conflicting classifications (1 of 4 stars). 2 submissions from 2 submitters: Likely pathogenic (1); Uncertain significance (1). Last evaluated 2025-07-24.

Conditions:
Multiple endocrine neoplasia type 4. Also called: MULTIPLE ENDOCRINE NEOPLASIA, TYPE IV. Identifiers: Orphanet 276152, MedGen C1970712, MONDO:0012552, OMIM 610755.
Hereditary cancer-predisposing syndrome. Also called: Hereditary Cancer Syndrome; Neoplastic Syndromes, Hereditary; Hereditary neoplastic syndrome; Tumor predisposition. Identifiers: Orphanet 140162, MedGen C0027672, MeSH D009386, MONDO:0015356.

Submissions (2):

Ambry Genetics
Classification: Likely pathogenic for Hereditary cancer-predisposing syndrome. Last evaluated: 2025-07-24. Review status: criteria provided, single submitter. Criteria: Ambry Variant Classification Scheme 2023. Collection method: clinical testing. Allele origin: germline.
Comment: The c.532delT variant, located in coding exon 2 of the CDKN1B gene, results from a deletion of one nucleotide at nucleotide position 532, causing a translational frameshift with a predicted alternate stop codon (p.S178Pfs*47). This alteration occurs at the 3' terminus of theCDKN1B gene, is not expected to trigger nonsense-mediated mRNAdecay and results in the elongation of the protein by 26 amino acids. This frameshift impacts the last 10% of the native protein. However, frameshifts are typically deleterious in nature, the impacted region is critical for protein function, and a significant portion of the protein is affected (Ambry internal data). This variant was reported in individual(s) with features consistent with CDKN1B-related multiple endocrine neoplasia (Ambry internal data). This variant is considered to be rare based on population cohorts in the Genome Aggregation Database (gnomAD). Based on the majority of available evidence to date, this variant is likely to be pathogenic.

Labcorp Genetics (formerly Invitae), Labcorp
Classification: Uncertain significance for Multiple endocrine neoplasia type 4. Last evaluated: 2024-04-22. Review status: criteria provided, single submitter. Criteria: Invitae Variant Classification Sherloc (09022015). Collection method: clinical testing. Allele origin: germline.
Comment: This sequence change results in a frameshift in the CDKN1B gene (p.Ser178Profs*47). While this is not anticipated to result in nonsense mediated decay, it is expected to disrupt the last 21 amino acid(s) of the CDKN1B protein and extend the protein by 25 additional amino acid residues. This variant is not present in population databases (gnomAD no frequency). This variant has not been reported in the literature in individuals affected with CDKN1B-related conditions. ClinVar contains an entry for this variant (Variation ID: 2123977). Experimental studies and prediction algorithms are not available or were not evaluated, and the functional significance of this variant is currently unknown. In summary, the available evidence is currently insufficient to determine the role of this variant in disease. Therefore, it has been classified as a Variant of Uncertain Significance.

NM_004064.5(CDKN1B):c.532del (p.Ser178fs)

Gene: CDKN1B (cyclin dependent kinase inhibitor 1B; plus strand). Cytogenetic location: 12p13.1.
Variant type: Deletion.
Coding change: c.532del on transcript NM_004064.5 (MANE Select); coding-DNA position 532, one base deleted (T; older notation c.532delT).
Protein change: p.Ser178fs; shifts the reading frame from serine 178.
Molecular consequence: frameshift variant.
Genome position (GRCh38, 1-based): chr12:12,718,881, T deleted; the last of 2 consecutive T bases (chr12:12,718,880-12,718,881); deleting either gives the same sequence. VCF-style (leftmost placement, unchanged base first): chr12-12718879-GT-G. GRCh37 (hg19) VCF-style: chr12-12871813-GT-G.
Other names: c.532delT (NM_004064.3); short protein forms S178fs.
Identifiers: ClinVar variation 2123977 (VCV002123977.5), dbSNP rs2497407577, ClinGen allele CA2580085219.
Genomic context (GRCh38, chr12:12,718,879, plus strand): 5'-GCTTAGATTCTTCTACTCAAAACAAAAGAGCCAACAGAACAGAAGAAAATGTTTCAGACG[GT>G]TCCCCAAATGCCGGTTCTGTGGAGCAGACGCCCAAGAAGCCTGGCCTCAGAAGACGTCAA-3'